The following is an entry in ClinVar:

NM_004656.4(BAP1):c.1227G>C (p.Val409=)

Gene: BAP1 (BRCA1 associated deubiquitinase 1; minus strand). Cytogenetic location: 3p21.1.
Variant type: single nucleotide variant.
Coding change: c.1227G>C on transcript NM_004656.4 (MANE Select); coding-DNA position 1227, G replaced by C.
Protein change: p.Val409=; no amino-acid change (valine 409 retained).
Molecular consequence: synonymous variant.
Genome position (GRCh38, 1-based): chr3:52,404,476, C>G on the plus strand (G>C on the coding strand, the complement: BAP1 is on the minus strand). VCF-style: chr3-52404476-C-G. GRCh37 (hg19) VCF-style: chr3-52438492-C-G.
Other names: c.1227G>C (LRG_529t1).
Identifiers: ClinVar variation 485276 (VCV000485276.24), dbSNP rs201203425, ClinGen allele CA2436863.

ClinVar aggregate classification (germline): Conflicting classifications of pathogenicity. Review status: criteria provided, conflicting classifications (1 of 4 stars). 7 submissions from 7 submitters: Uncertain significance (1); Benign (1); Likely benign (4). 1 of the submissions does not count toward it. Last evaluated 2025-11-10.

Conditions:
BAP1-related disorder. Also called: BAP1-related condition.
Hereditary cancer-predisposing syndrome. Also called: Neoplastic Syndromes, Hereditary; Tumor predisposition; Hereditary Cancer Syndrome; Hereditary neoplastic syndrome. Identifiers: Orphanet 140162, MedGen C0027672, MeSH D009386, MONDO:0015356.
BAP1-related tumor predisposition syndrome (TPDS1). Also called: Tumor susceptibility linked to germline BAP1 mutations; BAP1 tumor predisposition syndrome; COMMON Syndrome; TUMOR PREDISPOSITION SYNDROME 1. Identifiers: Orphanet 289539, MedGen C3280492, MONDO:0013692, OMIM 614327.

Allele frequency attached by ClinVar (database versions not stated): ExAC 0.00002; gnomAD exomes 0.00002; gnomAD 0.00004; TOPMed 0.00009; 1000 Genomes Project 30x 0.00016; 1000 Genomes Project 0.00020.
gnomAD v4.1: 16 of 1,614,238 alleles (0.00099%); highest among the groups gnomAD compares: African/African-American, 0.021%; no homozygotes.

Submissions (7):

Labcorp Genetics (formerly Invitae), Labcorp
Classification: Likely benign for BAP1-related tumor predisposition syndrome. Last evaluated: 2025-11-10. Review status: criteria provided, single submitter. Criteria: Invitae Variant Classification Sherloc (09022015). Collection method: clinical testing. Allele origin: germline.

Myriad Genetics, Inc.
Classification: Benign for BAP1-related tumor predisposition syndrome. Last evaluated: 2024-07-16. Review status: criteria provided, single submitter. Criteria: Myriad Autosomal Dominant, Autosomal Recessive and X-Linked Classification Criteria (2023). Collection method: clinical testing. Allele origin: unknown.
Comment: This variant is considered benign. This variant is a silent/synonymous amino acid change and it is not expected to impact splicing.

GeneDx
Classification: Likely benign. Last evaluated: 2018-06-14. Review status: criteria provided, single submitter. Criteria: GeneDx Variant Classification (06012015). Collection method: clinical testing. Allele origin: germline. Affected: yes.
Comment: This variant is considered likely benign or benign based on one or more of the following criteria: it is a conservative change, it occurs at a poorly conserved position in the protein, it is predicted to be benign by multiple in silico algorithms, and/or has population frequency not consistent with disease.

Eurofins Ntd Llc (ga)
Classification: Uncertain significance. Last evaluated: 2018-05-29. Review status: criteria provided, single submitter. Criteria: EGL ClinVar v180209 classification definitions. Collection method: clinical testing. Allele origin: germline. Observed: 1 variant allele, 1 heterozygote.

Color Diagnostics, LLC DBA Color Health
Classification: Likely benign for Hereditary cancer-predisposing syndrome. Last evaluated: 2017-10-23. Review status: criteria provided, single submitter. Criteria: ACMG Guidelines, 2015. Collection method: clinical testing. Allele origin: germline.

Ambry Genetics
Classification: Likely benign for Hereditary cancer-predisposing syndrome. Last evaluated: 2017-06-29. Review status: criteria provided, single submitter. Criteria: Ambry Variant Classification Scheme 2023. Collection method: clinical testing. Allele origin: germline.

PreventionGenetics, part of Exact Sciences
Classification: Likely benign for BAP1-related condition. Last evaluated: 2022-06-03. Review status: no assertion criteria provided. Collection method: clinical testing. Allele origin: germline. Not counted in ClinVar's aggregate classification.
Comment: This variant is classified as likely benign based on ACMG/AMP sequence variant interpretation guidelines (Richards et al. 2015 PMID: 25741868, with internal and published modifications).